The following is an entry in ClinVar:

NM_001037333.3(CYFIP2):c.2633A>T (p.Lys878Ile)

Gene: CYFIP2 (cytoplasmic FMR1 interacting protein 2; plus strand). Cytogenetic location: 5q33.3.
Variant type: single nucleotide variant.
Coding change: c.2633A>T on transcript NM_001037333.3 (MANE Select); coding-DNA position 2633, A replaced by T.
Protein change: p.Lys878Ile; replaces lysine 878 with isoleucine.
Molecular consequence: missense variant.
Genome position (GRCh38, 1-based): chr5:157,341,117, A>T. VCF-style: chr5-157341117-A-T. GRCh37 (hg19) VCF-style: chr5-156768125-A-T.
Other names: c.2555A>T, p.Lys852Ile (NM_001291721.2); c.2708A>T, p.Lys903Ile (NM_001291722.2); c.2633A>T, p.Lys878Ile (NM_014376.4); short protein forms K852I, K878I, K903I.
Identifiers: ClinVar variation 1704837 (VCV001704837.2), dbSNP rs2532488829, ClinGen allele CA361972889.

ClinVar aggregate classification (germline): Uncertain significance (1 of 4 stars; one submission).

Submission:

GeneDx
Classification: Uncertain significance. Last evaluated: 2022-03-11. Review status: criteria provided, single submitter. Criteria: GeneDx Variant Classification Process June 2021. Collection method: clinical testing. Allele origin: germline. Affected: yes.
Comment: Not observed at significant frequency in large population cohorts (gnomAD); In silico analysis supports that this missense variant has a deleterious effect on protein structure/function; Has not been previously published as pathogenic or benign to our knowledge